The following is an entry in ClinVar:

NM_177438.3(DICER1):c.1016A>T (p.Glu339Val)

Gene: DICER1 (dicer 1, ribonuclease III; minus strand). Cytogenetic location: 14q32.13.
Variant type: single nucleotide variant.
Coding change: c.1016A>T on transcript NM_177438.3 (MANE Select); coding-DNA position 1016, A replaced by T.
Protein change: p.Glu339Val; replaces glutamic acid 339 with valine.
Molecular consequence: missense variant. On other transcripts: 5 prime UTR variant (1), non-coding transcript variant (6).
Genome position (GRCh38, 1-based): chr14:95,124,556, T>A on the plus strand (A>T on the coding strand, the complement: DICER1 is on the minus strand). VCF-style: chr14-95124556-T-A. GRCh37 (hg19) VCF-style: chr14-95590893-T-A.
Other names: c.1016A>T, p.Glu339Val (NM_001195573.1, NM_001271282.3, NM_001291628.2 and 15 more transcripts); c.734A>T, p.Glu245Val (NM_001395686.1); c.611A>T, p.Glu204Val (NM_001395687.1, NM_001395688.1, NM_001395689.1 and 3 more transcripts); c.449A>T, p.Glu150Val (NM_001395691.1); c.-553A>T (NM_001395697.1); short protein forms E204V, E150V, E339V, E245V.
Identifiers: ClinVar variation 2840667 (VCV002840667.3), dbSNP rs2543183987, ClinGen allele CA390887151.
Genomic context (GRCh38, chr14:95,124,556, plus strand): 5'-CATAGTGCATGTATTTTCCTTAGGAAAGTGTCTGTAAACAATAAAAATTTCCTGTGCAGC[T>A]CCTCTTGCTCATGTTTGATGTATTTCTGTAGTTCTCTTACCATCATTCCAGCTACTTTAT-3'
Protein context (NP_803187.1, residues 329-349): LQKYIKHEQE[Glu339Val]LHRKFLLFTD

ClinVar aggregate classification (germline): Uncertain significance (1 of 4 stars; one submission).

Conditions:
DICER1-related tumor predisposition. Also called: DICER1-related pleuropulmonary blastoma cancer predisposition syndrome; DICER1 syndrome. Identifiers: Orphanet 284343, MedGen C3839822, MONDO:0100216.

Submission:

Labcorp Genetics (formerly Invitae), Labcorp
Classification: Uncertain significance for DICER1-related tumor predisposition. Last evaluated: 2023-02-25. Review status: criteria provided, single submitter. Criteria: Invitae Variant Classification Sherloc (09022015). Collection method: clinical testing. Allele origin: germline.
Comment: In summary, the available evidence is currently insufficient to determine the role of this variant in disease. Therefore, it has been classified as a Variant of Uncertain Significance. Advanced modeling of protein sequence and biophysical properties (such as structural, functional, and spatial information, amino acid conservation, physicochemical variation, residue mobility, and thermodynamic stability) performed at Invitae indicates that this missense variant is not expected to disrupt DICER1 protein function. This variant has not been reported in the literature in individuals affected with DICER1-related conditions. This variant is not present in population databases (gnomAD no frequency). This sequence change replaces glutamic acid, which is acidic and polar, with valine, which is neutral and non-polar, at codon 339 of the DICER1 protein (p.Glu339Val).